The following is an entry in ClinVar:

NM_005157.6(ABL1):c.959A>G (p.Tyr320Cys)

Gene: ABL1 (ABL proto-oncogene 1, non-receptor tyrosine kinase; plus strand). Cytogenetic location: 9q34.12.
Variant type: single nucleotide variant.
Coding change: c.959A>G on transcript NM_005157.6 (MANE Select); coding-DNA position 959, A replaced by G.
Protein change: p.Tyr320Cys; replaces tyrosine 320 with cysteine.
Molecular consequence: missense variant.
Genome position (GRCh38, 1-based): chr9:130,872,911, A>G. VCF-style: chr9-130872911-A-G. GRCh37 (hg19) VCF-style: chr9-133748298-A-G.
Other names: c.1016A>G, p.Tyr339Cys (NM_007313.3); short protein forms Y320C, Y339C.
Identifiers: ClinVar variation 2368770 (VCV002368770.5), dbSNP rs146342596, ClinGen allele CA5285352.

ClinVar aggregate classification (germline): Uncertain significance. Review status: criteria provided, multiple submitters, no conflicts (2 of 4 stars). 2 submissions from 2 submitters: Uncertain significance (2). Last evaluated 2026-01-04.

Conditions:
Inborn genetic diseases. Identifiers: MedGen C0950123, MeSH D030342.

Allele frequency attached by ClinVar (database versions not stated): gnomAD exomes 0.00004; ESP Exome Variant Server 0.00008; gnomAD 0.00002; TOPMed 0.00002; ExAC 0.00003.
gnomAD v4.1: 62 of 1,614,146 alleles (0.0038%); highest among the groups gnomAD compares: Middle Eastern, 0.016%; no homozygotes.

Submissions (2):

Labcorp Genetics (formerly Invitae), Labcorp
Classification: Uncertain significance. Last evaluated: 2026-01-04. Review status: criteria provided, single submitter. Criteria: Invitae Variant Classification Sherloc (09022015). Collection method: clinical testing. Allele origin: germline.
Comment: This sequence change replaces tyrosine, which is neutral and polar, with cysteine, which is neutral and slightly polar, at codon 339 of the ABL1 protein (p.Tyr339Cys). This variant is present in population databases (rs146342596, gnomAD 0.004%). This variant has not been reported in the literature in individuals affected with ABL1-related conditions. ClinVar contains an entry for this variant (Variation ID: 2368770). Invitae Evidence Modeling of protein sequence and biophysical properties (such as structural, functional, and spatial information, amino acid conservation, physicochemical variation, residue mobility, and thermodynamic stability) indicates that this missense variant is not expected to disrupt ABL1 protein function with a negative predictive value of 80%. In summary, the available evidence is currently insufficient to determine the role of this variant in disease. Therefore, it has been classified as a Variant of Uncertain Significance.

Ambry Genetics
Classification: Uncertain significance for Inborn genetic diseases. Last evaluated: 2022-12-15. Review status: criteria provided, single submitter. Criteria: Ambry Variant Classification Scheme 2023. Collection method: clinical testing. Allele origin: germline.